The following is an entry in ClinVar:

ClinVar aggregate classification (germline): Uncertain significance (1 of 4 stars; one submission).

Conditions:
Arrhythmogenic right ventricular dysplasia 13. Also called: Arrhythmogenic right ventricular dysplasia, familial, 13; ARRHYTHMOGENIC RIGHT VENTRICULAR CARDIOMYOPATHY 13. Identifiers: MedGen C3810138, MONDO:0000908, OMIM 615616.

Allele frequency attached by ClinVar (database versions not stated): TOPMed 0.00003.
gnomAD v4.1: 32 of 1,613,990 alleles (0.002%); highest among the groups gnomAD compares: Non-Finnish European, 0.0025%; no homozygotes.

Submission:

Labcorp Genetics (formerly Invitae), Labcorp
Classification: Uncertain significance for Arrhythmogenic right ventricular dysplasia 13. Last evaluated: 2025-04-28. Review status: criteria provided, single submitter. Criteria: Invitae Variant Classification Sherloc (09022015). Collection method: clinical testing. Allele origin: germline.
Comment: This sequence change creates a premature translational stop signal (p.Arg873*) in the CTNNA3 gene. While this is not anticipated to result in nonsense mediated decay, it is expected to disrupt the last 23 amino acid(s) of the CTNNA3 protein. This variant is present in population databases (rs761449098, gnomAD 0.002%). This variant has not been reported in the literature in individuals affected with CTNNA3-related conditions. ClinVar contains an entry for this variant (Variation ID: 845703). Experimental studies and prediction algorithms are not available or were not evaluated, and the functional significance of this variant is currently unknown. In summary, the available evidence is currently insufficient to determine the role of this variant in disease. Therefore, it has been classified as a Variant of Uncertain Significance.

NM_013266.4(CTNNA3):c.2617C>T (p.Arg873Ter)

Gene: CTNNA3 (catenin alpha 3; minus strand). Cytogenetic location: 10q21.3.
Variant type: single nucleotide variant.
Coding change: c.2617C>T on transcript NM_013266.4 (MANE Select); coding-DNA position 2617, C replaced by T.
Protein change: p.Arg873Ter; replaces arginine 873 with a stop codon.
Molecular consequence: nonsense.
Genome position (GRCh38, 1-based): chr10:65,920,401, G>A on the plus strand (C>T on the coding strand, the complement: CTNNA3 is on the minus strand). VCF-style: chr10-65920401-G-A. GRCh37 (hg19) VCF-style: chr10-67680159-G-A.
Other names: c.2617C>T, p.Arg873Ter (NM_001127384.3); short protein forms R873*.
Identifiers: ClinVar variation 845703 (VCV000845703.6), dbSNP rs761449098, ClinGen allele CA5519537.